The following is an entry in ClinVar:

ClinVar aggregate classification (germline): Uncertain significance (1 of 4 stars; one submission).

Conditions:
Cardiovascular phenotype. Identifiers: MedGen CN230736.

Submission:

Ambry Genetics
Classification: Uncertain significance for Cardiovascular phenotype. Last evaluated: 2025-11-24. Review status: criteria provided, single submitter. Criteria: Ambry Variant Classification Scheme 2023. Collection method: clinical testing. Allele origin: germline.
Comment: The p.P1188R variant (also known as c.3563C>G), located in coding exon 8 of the HCN4 gene, results from a C to G substitution at nucleotide position 3563. The proline at codon 1188 is replaced by arginine, an amino acid with dissimilar properties. This amino acid position is conserved. In addition, the in silico prediction for this alteration is inconclusive. Based on the available evidence, the clinical significance of this variant remains unclear.

NM_005477.3(HCN4):c.3563C>G (p.Pro1188Arg)

Gene: HCN4 (hyperpolarization activated cyclic nucleotide gated potassium channel 4; minus strand). Cytogenetic location: 15q24.1.
Variant type: single nucleotide variant.
Coding change: c.3563C>G on transcript NM_005477.3 (MANE Select); coding-DNA position 3563, C replaced by G.
Protein change: p.Pro1188Arg; replaces proline 1188 with arginine.
Molecular consequence: missense variant.
Genome position (GRCh38, 1-based): chr15:73,322,530, G>C on the plus strand (C>G on the coding strand, the complement: HCN4 is on the minus strand). VCF-style: chr15-73322530-G-C. GRCh37 (hg19) VCF-style: chr15-73614871-G-C.
Other names: short protein forms P1188R.
Identifiers: ClinVar variation 4614263 (VCV004614263.1).